The following is an entry in ClinVar:

ClinVar aggregate classification (germline): Conflicting classifications of pathogenicity. Review status: criteria provided, conflicting classifications (1 of 4 stars). 6 submissions from 5 submitters: Uncertain significance (4); Likely benign (2). Last evaluated 2025-11-08.

Conditions:
Bartter disease type 3. Also called: Bartter syndrome type 3. Identifiers: Orphanet 112, Orphanet 93605, MedGen C1846343, MONDO:0011822, OMIM 607364.
Hematuria. Identifiers: MedGen C0018965, HP:0000790.
Proteinuria. Identifiers: MedGen C0033687, MONDO:0003634, HP:0000093.

Allele frequency attached by ClinVar (database versions not stated): gnomAD exomes 0.00028 and 0.00043; ExAC 0.00051; ESP Exome Variant Server 0.00062; gnomAD 0.00088 and 0.00089; TOPMed 0.00088; 1000 Genomes Project 0.00220; 1000 Genomes Project 30x 0.00234.
gnomAD v4.1: 546 of 1,613,402 alleles (0.034%); highest among the groups gnomAD compares: African/African-American, 0.19%; 2 homozygotes.

Submissions (6):

Labcorp Genetics (formerly Invitae), Labcorp
Classification: Likely benign. Last evaluated: 2025-11-08. Review status: criteria provided, single submitter. Criteria: Invitae Variant Classification Sherloc (09022015). Collection method: clinical testing. Allele origin: germline.

GeneDx
Classification: Uncertain significance. Last evaluated: 2025-04-07. Review status: criteria provided, single submitter. Criteria: GeneDx Variant Classification Process June 2021. Collection method: clinical testing. Allele origin: germline. Affected: yes.
Comment: In silico analysis indicates that this missense variant does not alter protein structure/function; Has not been previously published as pathogenic or benign to our knowledge

Women's Health and Genetics/Laboratory Corporation of America, LabCorp
Classification: Likely benign. Last evaluated: 2025-02-05. Review status: criteria provided, single submitter. Criteria: LabCorp Variant Classification Summary - May 2015. Collection method: clinical testing. Allele origin: germline.
Comment: Variant summary: CLCNKB c.700T>C (p.Trp234Arg) results in a non-conservative amino acid change in the encoded protein sequence. Three of five in-silico tools predict a benign effect of the variant on protein function. The variant allele was found at a frequency of 0.00043 in 251436 control chromosomes, predominantly at a frequency of 0.0022 within the African or African-American subpopulation in the gnomAD database. The observed variant frequency within African or African-American control individuals in the gnomAD database is approximately 2 fold of the estimated maximal expected allele frequency for a pathogenic variant in CLCNKB causing Bartter Syndrome, Type 3 phenotype (0.0011). To our knowledge, no occurrence of c.700T>C in individuals affected with Bartter Syndrome, Type 3 and no experimental evidence demonstrating its impact on protein function have been reported. ClinVar contains an entry for this variant (Variation ID: 523320). Based on the evidence outlined above, the variant was classified as likely benign.

Revvity Omics, Revvity
Classification: Uncertain significance. Last evaluated: 2024-07-30. Review status: criteria provided, single submitter. Criteria: ACMG Guidelines, 2015. Collection method: clinical testing. Allele origin: germline.

Centre for Mendelian Genomics, University Medical Centre Ljubljana
Classification: Uncertain significance for Bartter disease type 3. Last evaluated: 2019-06-12. Review status: criteria provided, single submitter. Criteria: ACMG Guidelines, 2015. Collection method: clinical testing. Allele origin: unknown. Affected: yes.
Comment: This variant was classified as: Uncertain significance. The available evidence on this variant's pathogenicity is insufficient or conflicting. The following ACMG criteria were applied in classifying this variant: No criteria apply.

Centre for Mendelian Genomics, University Medical Centre Ljubljana
Classification: Uncertain significance for Hematuria; Proteinuria. Last evaluated: 2017-01-01. Review status: criteria provided, single submitter. Criteria: ACMG Guidelines, 2015. Collection method: clinical testing. Allele origin: unknown. Affected: yes.

NM_000085.5(CLCNKB):c.700T>C (p.Trp234Arg)

Genes: CLCNKB (chloride voltage-gated channel Kb; plus strand), LOC106501713 (CLCNKB recombination region; plus strand). Cytogenetic location: 1p36.13.
Variant type: single nucleotide variant.
Coding change: c.700T>C on transcript NM_000085.5 (MANE Select); coding-DNA position 700, T replaced by C.
Protein change: p.Trp234Arg; replaces tryptophan 234 with arginine.
Molecular consequence: missense variant.
Genome position (GRCh38, 1-based): chr1:16,049,164, T>C. VCF-style: chr1-16049164-T-C. GRCh37 (hg19) VCF-style: chr1-16375659-T-C.
Other names: c.193T>C, p.Trp65Arg (NM_001165945.2); short protein forms W234R, W65R.
Identifiers: ClinVar variation 523320 (VCV000523320.14), dbSNP rs144517772, ClinGen allele CA623480.